The following is an entry in ClinVar:

ClinVar aggregate classification (germline): Uncertain significance (1 of 4 stars; one submission).

Conditions:
Hereditary cancer-predisposing syndrome. Also called: Neoplastic Syndromes, Hereditary; Tumor predisposition; Hereditary Cancer Syndrome; Hereditary neoplastic syndrome. Identifiers: Orphanet 140162, MedGen C0027672, MeSH D009386, MONDO:0015356.

Submission:

Ambry Genetics
Classification: Uncertain significance for Hereditary cancer-predisposing syndrome. Last evaluated: 2021-07-26. Review status: criteria provided, single submitter. Criteria: Ambry Variant Classification Scheme 2023. Collection method: clinical testing. Allele origin: germline.
Comment: The p.E699G variant (also known as c.2096A>G), located in coding exon 4 of the MSH6 gene, results from an A to G substitution at nucleotide position 2096. The glutamic acid at codon 699 is replaced by glycine, an amino acid with similar properties. This amino acid position is highly conserved in available vertebrate species. In addition, this alteration is predicted to be deleterious by in silico analysis. Since supporting evidence is limited at this time, the clinical significance of this alteration remains unclear.

NM_000179.3(MSH6):c.2096A>G (p.Glu699Gly)

Gene: MSH6 (mutS homolog 6; plus strand). Cytogenetic location: 2p16.3.
Variant type: single nucleotide variant.
Coding change: c.2096A>G on transcript NM_000179.3 (MANE Select); coding-DNA position 2096, A replaced by G.
Protein change: p.Glu699Gly; replaces glutamic acid 699 with glycine.
Molecular consequence: missense variant.
Genome position (GRCh38, 1-based): chr2:47,800,079, A>G. VCF-style: chr2-47800079-A-G. GRCh37 (hg19) VCF-style: chr2-48027218-A-G.
Other names: c.1706A>G, p.Glu569Gly (NM_001281492.2); c.1190A>G, p.Glu397Gly (NM_001281493.2, NM_001281494.2, NM_001406811.1 and 6 more transcripts); c.2192A>G, p.Glu731Gly (NM_001406795.1, NM_001406802.1); c.2096A>G, p.Glu699Gly (NM_001406796.1, NM_001406798.1, NM_001406800.1 and 3 more transcripts); c.1799A>G, p.Glu600Gly (NM_001406797.1, NM_001406801.1, NM_001406805.1 and 10 more transcripts); c.1571A>G, p.Glu524Gly (NM_001406799.1, NM_001406806.1, NM_001406807.1); c.2018A>G, p.Glu673Gly (NM_001406804.1); c.2102A>G, p.Glu701Gly (NM_001406813.1); and 1 more; short protein forms E600G, E643G, E673G, E397G, E524G, E731G, E699G, E701G.
Identifiers: ClinVar variation 1785795 (VCV001785795.2), dbSNP rs2104388498, ClinGen allele CA346750883.